The following is an entry in ClinVar:

ClinVar aggregate classification (germline): Uncertain significance (1 of 4 stars; one submission).

Conditions:
Hereditary cancer-predisposing syndrome. Also called: Neoplastic Syndromes, Hereditary; Tumor predisposition; Hereditary Cancer Syndrome; Hereditary neoplastic syndrome. Identifiers: Orphanet 140162, MedGen C0027672, MeSH D009386, MONDO:0015356.

Submission:

Ambry Genetics
Classification: Uncertain significance for Hereditary cancer-predisposing syndrome. Last evaluated: 2024-12-09. Review status: criteria provided, single submitter. Criteria: Ambry Variant Classification Scheme 2023. Collection method: clinical testing. Allele origin: germline.
Comment: The p.K1449E variant (also known as c.4345A>G), located in coding exon 34 of the POLE gene, results from an A to G substitution at nucleotide position 4345. The lysine at codon 1449 is replaced by glutamic acid, an amino acid with similar properties. This amino acid position is conserved. In addition, this alteration is predicted to be tolerated by in silico analysis. Based on the available evidence, the clinical significance of this variant remains unclear.

NM_006231.4(POLE):c.4345A>G (p.Lys1449Glu)

Gene: POLE (DNA polymerase epsilon, catalytic subunit; minus strand). Cytogenetic location: 12q24.33.
Variant type: single nucleotide variant.
Coding change: c.4345A>G on transcript NM_006231.4 (MANE Select); coding-DNA position 4345, A replaced by G.
Protein change: p.Lys1449Glu; replaces lysine 1449 with glutamic acid.
Molecular consequence: missense variant.
Genome position (GRCh38, 1-based): chr12:132,643,506, T>C on the plus strand (A>G on the coding strand, the complement: POLE is on the minus strand). VCF-style: chr12-132643506-T-C. GRCh37 (hg19) VCF-style: chr12-133220092-T-C.
Other names: short protein forms K1449E.
Identifiers: ClinVar variation 3422244 (VCV003422244.1).